The following is an entry in ClinVar:

NC_000017.11:g.50193048del

Gene: COL1A1 (collagen type I alpha 1 chain; minus strand). Cytogenetic location: 17q21.33.
Variant type: Deletion.
Genome position: GRCh38 VCF-style: chr17-50193045-TC-T. GRCh37 (hg19) VCF-style: chr17-48270406-TC-T.
Identifiers: ClinVar variation 2104496 (VCV002104496.5), dbSNP rs2509209886, ClinGen allele CA2580094397.

ClinVar aggregate classification (germline): Pathogenic (1 of 4 stars; one submission).

Conditions:
Osteogenesis imperfecta type I (OI1). Also called: Lobstein disease; OI, TYPE I; OSTEOGENESIS IMPERFECTA TARDA; OSTEOGENESIS IMPERFECTA WITH BLUE SCLERAE; Osteogenesis imperfecta type 1; Classic Non-deforming Osteogenesis Imperfecta with Blue Sclerae. Identifiers: Orphanet 216796, Orphanet 666, MedGen C0023931, MONDO:0008146, OMIM 166200. Disease mechanism: loss of function.

Submission:

Labcorp Genetics (formerly Invitae), Labcorp
Classification: Pathogenic for Osteogenesis imperfecta type I. Last evaluated: 2022-02-28. Review status: criteria provided, single submitter. Criteria: Invitae Variant Classification Sherloc (09022015). Collection method: clinical testing. Allele origin: germline.
Comment: For these reasons, this variant has been classified as Pathogenic. This variant has not been reported in the literature in individuals affected with COL1A1-related conditions. This variant is not present in population databases (gnomAD no frequency). This sequence change creates a premature translational stop signal (p.Gly590Glufs*176) in the COL1A1 gene. It is expected to result in an absent or disrupted protein product. Loss-of-function variants in COL1A1 are known to be pathogenic (PMID: 7942841, 9295084, 9443882).

Literature cited by the submitters: PubMed 7942841; PubMed 9295084; PubMed 9443882.